The following is an entry in ClinVar:

ClinVar aggregate classification (germline): Likely benign (0 of 4 stars; one submission).

Conditions:
UNC5C-related disorder. Also called: UNC5C-related condition.

Allele frequency attached by ClinVar (database versions not stated): 1000 Genomes Project 30x 0.00078; 1000 Genomes Project 0.00100; ESP Exome Variant Server 0.00108.
gnomAD v4.1: 3,287 of 1,611,476 alleles (0.2%); highest among the groups gnomAD compares: Non-Finnish European, 0.25%; 8 homozygotes.

Submission:

PreventionGenetics, part of Exact Sciences
Classification: Likely benign for UNC5C-related condition. Last evaluated: 2019-05-06. Review status: no assertion criteria provided. Collection method: clinical testing. Allele origin: germline.
Comment: This variant is classified as likely benign based on ACMG/AMP sequence variant interpretation guidelines (Richards et al. 2015 PMID: 25741868, with internal and published modifications).

NM_003728.4(UNC5C):c.2442C>T (p.Thr814=)

Gene: UNC5C (unc-5 netrin receptor C; minus strand). Cytogenetic location: 4q22.3.
Variant type: single nucleotide variant.
Coding change: c.2442C>T on transcript NM_003728.4 (MANE Select); coding-DNA position 2442, C replaced by T.
Protein change: p.Thr814=; no amino-acid change (threonine 814 retained).
Molecular consequence: synonymous variant.
Genome position (GRCh38, 1-based): chr4:95,182,906, G>A on the plus strand (C>T on the coding strand, the complement: UNC5C is on the minus strand). VCF-style: chr4-95182906-G-A. GRCh37 (hg19) VCF-style: chr4-96104057-G-A.
Identifiers: ClinVar variation 3037433 (VCV003037433.2), dbSNP rs145013421, ClinGen allele CA3015406.